The following is an entry in ClinVar:

ClinVar aggregate classification (germline): Uncertain significance. Review status: criteria provided, multiple submitters, no conflicts (2 of 4 stars). 4 submissions from 4 submitters: Uncertain significance (4). Last evaluated 2025-10-13.

Conditions:
Inborn genetic diseases. Identifiers: MedGen C0950123, MeSH D030342.
Autosomal dominant limb-girdle muscular dystrophy type 1F (LGMDD2). Also called: Limb-girdle muscular dystrophy, type 1F; MUSCULAR DYSTROPHY, LIMB-GIRDLE, AUTOSOMAL DOMINANT 2. Identifiers: Orphanet 55595, MedGen C1842062, MONDO:0012034, OMIM 608423.

Allele frequency attached by ClinVar (database versions not stated): TOPMed below 0.00001; ExAC 0.00002; gnomAD exomes 0.00002.
gnomAD v4.1: 24 of 1,614,134 alleles (0.0015%); highest among the groups gnomAD compares: Non-Finnish European, 0.0019%; no homozygotes.

Submissions (4):

Labcorp Genetics (formerly Invitae), Labcorp
Classification: Uncertain significance for Autosomal dominant limb-girdle muscular dystrophy type 1F. Last evaluated: 2025-10-13. Review status: criteria provided, single submitter. Criteria: Invitae Variant Classification Sherloc (09022015). Collection method: clinical testing. Allele origin: germline.
Comment: This sequence change replaces glutamine, which is neutral and polar, with histidine, which is basic and polar, at codon 630 of the TNPO3 protein (p.Gln630His). This variant is present in population databases (rs773242792, gnomAD 0.004%). This variant has not been reported in the literature in individuals affected with TNPO3-related conditions. ClinVar contains an entry for this variant (Variation ID: 959741). An algorithm developed to predict the effect of missense changes on protein structure and function (PolyPhen-2) suggests that this variant is likely to be disruptive. In summary, the available evidence is currently insufficient to determine the role of this variant in disease. Therefore, it has been classified as a Variant of Uncertain Significance.

Blueprint Genetics
Classification: Uncertain significance. Last evaluated: 2024-01-26. Review status: criteria provided, single submitter. Criteria: ACMG Guidelines, 2015. Collection method: clinical testing. Allele origin: germline.

Revvity Omics, Revvity
Classification: Uncertain significance for Autosomal dominant limb-girdle muscular dystrophy type 1F. Last evaluated: 2023-10-09. Review status: criteria provided, single submitter. Criteria: ACMG Guidelines, 2015. Collection method: clinical testing. Allele origin: germline.

Ambry Genetics
Classification: Uncertain significance for Inborn genetic diseases. Last evaluated: 2022-10-26. Review status: criteria provided, single submitter. Criteria: Ambry Variant Classification Scheme 2023. Collection method: clinical testing. Allele origin: germline.

NM_012470.4(TNPO3):c.1890G>C (p.Gln630His)

Gene: TNPO3 (transportin 3; minus strand). Cytogenetic location: 7q32.1.
Variant type: single nucleotide variant.
Coding change: c.1890G>C on transcript NM_012470.4 (MANE Select); coding-DNA position 1890, G replaced by C.
Protein change: p.Gln630His; replaces glutamine 630 with histidine.
Molecular consequence: missense variant. On other transcripts: non-coding transcript variant (14).
Genome position (GRCh38, 1-based): chr7:128,980,001, C>G on the plus strand (G>C on the coding strand, the complement: TNPO3 is on the minus strand). VCF-style: chr7-128980001-C-G. GRCh37 (hg19) VCF-style: chr7-128620055-C-G.
Other names: c.1698G>C, p.Gln566His (NM_001191028.3, NM_001382223.1); c.1992G>C, p.Gln664His (NM_001382216.1); c.1971G>C, p.Gln657His (NM_001382217.1); c.1890G>C, p.Gln630His (NM_001382218.1, NM_001382220.1); c.1782G>C, p.Gln594His (NM_001382219.1); c.1746G>C, p.Gln582His (NM_001382221.1); c.1743G>C, p.Gln581His (NM_001382222.1); short protein forms Q581H, Q582H, Q664H, Q594H, Q630H, Q566H, Q657H.
Identifiers: ClinVar variation 959741 (VCV000959741.13), dbSNP rs773242792, ClinGen allele CA4478028.